The following is an entry in ClinVar:

ClinVar aggregate classification (germline): Uncertain significance (1 of 4 stars; one submission).

Submission:

ISCA site 4
Classification: Uncertain significance. Last evaluated: 2011-08-12. Review status: criteria provided, single submitter. Criteria: Kaminsky et al. (Genet Med. 2011). Collection method: clinical testing. Allele origin: unknown. Affected: yes. Observed: 1 variant allele.
Comment: Copy number variation identified through the course of routine clinical cytogenomic testing in postnatal populations. Clinical assertions have been curated as described in Kaminsky et al. 2011.

GRCh38/hg38 12p13.33(chr12:832749-1632145)x3

Genes: ERC1 (ELKS/RAB6-interacting/CAST family member 1; plus strand), FBXL14 (F-box and leucine rich repeat protein 14; minus strand), LINC00942 (long intergenic non-protein coding RNA 942; plus strand), RAD52 (RAD52 homolog, DNA repair protein; minus strand), WNK1 (WNK lysine deficient protein kinase 1; plus strand) and 27 more. Cytogenetic location: 12p13.33.
Variant type: copy number gain.
Change: copy number 3 (three copies instead of two) of chr12:832,749-1,632,145 (799.4 kb, GRCh38 coordinates, 1-based), cytogenetic band 12p13.33.
Identifiers: ClinVar variation 57155 (VCV000057155.1).